The following is an entry in ClinVar:

NM_030957.4(ADAMTS10):c.80G>A (p.Arg27Gln)

Gene: ADAMTS10 (ADAM metallopeptidase with thrombospondin type 1 motif 10; minus strand). Cytogenetic location: 19p13.2.
Variant type: single nucleotide variant.
Coding change: c.80G>A on transcript NM_030957.4 (MANE Select); coding-DNA position 80, G replaced by A.
Protein change: p.Arg27Gln; replaces arginine 27 with glutamine.
Molecular consequence: missense variant.
Genome position (GRCh38, 1-based): chr19:8,605,631, C>T on the plus strand (G>A on the coding strand, the complement: ADAMTS10 is on the minus strand). VCF-style: chr19-8605631-C-T. GRCh37 (hg19) VCF-style: chr19-8670516-C-T.
Other names: short protein forms R27Q.
Identifiers: ClinVar variation 1355077 (VCV001355077.3), dbSNP rs573590661, ClinGen allele CA9160954.
Genomic context (GRCh38, chr19:8,605,631, plus strand): 5'-GTCTCTTACATTTTTCGCTCCCTCCCCACCGCCACCACCAGACTTCCCCTACCTTGAGAC[C>T]GGAAGGCGTGCGTGACCTCGAACATGAGGCCCAGCCCCAGGGCGAGGGCCCAGCGGAGGA-3'
Protein context (NP_112219.3, residues 17-37): GLMFEVTHAF[Arg27Gln]SQDEFLSSLE

ClinVar aggregate classification (germline): Uncertain significance (1 of 4 stars; one submission).

Allele frequency attached by ClinVar (database versions not stated): gnomAD 0.00002 and 0.00003; gnomAD exomes 0.00002 and 0.00003; ExAC 0.00003; TOPMed 0.00006; 1000 Genomes Project 0.00020; 1000 Genomes Project 30x 0.00031.

Submission:

Labcorp Genetics (formerly Invitae), Labcorp
Classification: Uncertain significance. Last evaluated: 2022-06-23. Review status: criteria provided, single submitter. Criteria: Invitae Variant Classification Sherloc (09022015). Collection method: clinical testing. Allele origin: germline.
Comment: This sequence change replaces arginine, which is basic and polar, with glutamine, which is neutral and polar, at codon 27 of the ADAMTS10 protein (p.Arg27Gln). This variant is present in population databases (rs573590661, gnomAD 0.008%). This variant has not been reported in the literature in individuals affected with ADAMTS10-related conditions. Algorithms developed to predict the effect of missense changes on protein structure and function output the following: SIFT: "Tolerated"; PolyPhen-2: "Benign"; Align-GVGD: "Class C0". The glutamine amino acid residue is found in multiple mammalian species, which suggests that this missense change does not adversely affect protein function. Algorithms developed to predict the effect of sequence changes on RNA splicing suggest that this variant may create or strengthen a splice site. In summary, the available evidence is currently insufficient to determine the role of this variant in disease. Therefore, it has been classified as a Variant of Uncertain Significance.